The following is an entry in ClinVar:

ClinVar aggregate classification (germline): Uncertain significance (1 of 4 stars; one submission).

Submission:

CeGaT Center for Human Genetics Tuebingen
Classification: Uncertain significance. Last evaluated: 2026-06-01. Review status: criteria provided, single submitter. Criteria: CeGaT Center For Human Genetics Tuebingen Variant Classification Criteria Version 2. Collection method: clinical testing. Allele origin: germline. Affected: yes. Observed: 1 variant allele.
Comment: RELN: PM2, PS2:Moderate, PP3

NM_005045.4(RELN):c.4588G>A (p.Gly1530Arg)

Gene: RELN (reelin; minus strand). Cytogenetic location: 7q22.1.
Variant type: single nucleotide variant.
Coding change: c.4588G>A on transcript NM_005045.4 (MANE Select); coding-DNA position 4588, G replaced by A.
Protein change: p.Gly1530Arg; replaces glycine 1530 with arginine.
Molecular consequence: missense variant.
Genome position (GRCh38, 1-based): chr7:103,572,184, C>T on the plus strand (G>A on the coding strand, the complement: RELN is on the minus strand). VCF-style: chr7-103572184-C-T. GRCh37 (hg19) VCF-style: chr7-103212631-C-T.
Other names: c.4588G>A, p.Gly1530Arg (NM_173054.3); short protein forms G1530R.
Identifiers: ClinVar variation 4875290 (VCV004875290.2).